The following is an entry in ClinVar:

ClinVar aggregate classification (germline): Uncertain significance. Review status: criteria provided, single submitter (1 of 4 stars). 2 submissions from 2 submitters: Uncertain significance (1). 1 of the submissions does not count toward it. Last evaluated 2026-01-12.

Conditions:
GNPTG-mucolipidosis. Also called: ML III GAMMA; ML IIIC; Mucolipidosis type III gamma; MUCOLIPIDOSIS III, COMPLEMENTATION GROUP C; MUCOLIPIDOSIS III, IRANIAN VARIANT FORM; MUCOLIPIDOSIS III, VARIANT FORM. Identifiers: Orphanet 423470, Orphanet 577, MedGen C1854896, MONDO:0009652, OMIM 252605.

Allele frequency attached by ClinVar (database versions not stated): gnomAD 0.00001; TOPMed 0.00003; gnomAD exomes 0.00011; ExAC 0.00035.

Submissions (2):

Labcorp Genetics (formerly Invitae), Labcorp
Classification: Uncertain significance. Last evaluated: 2026-01-12. Review status: criteria provided, single submitter. Criteria: Invitae Variant Classification Sherloc (09022015). Collection method: clinical testing. Allele origin: germline.
Comment: This sequence change replaces arginine, which is basic and polar, with tryptophan, which is neutral and slightly polar, at codon 7 of the GNPTG protein (p.Arg7Trp). The frequency data for this variant in the population databases is considered unreliable, as metrics indicate poor data quality at this position in the gnomAD database. This variant has not been reported in the literature in individuals affected with GNPTG-related conditions. ClinVar contains an entry for this variant (Variation ID: 1036156). Experimental studies and prediction algorithms are not available or were not evaluated, and the functional significance of this variant is currently unknown. In summary, the available evidence is currently insufficient to determine the role of this variant in disease. Therefore, it has been classified as a Variant of Uncertain Significance.

Natera, Inc.
Classification: Uncertain significance for Mucolipidosis III gamma. Last evaluated: 2020-08-08. Review status: no assertion criteria provided. Collection method: clinical testing. Allele origin: germline. Not counted in ClinVar's aggregate classification.

NM_032520.5(GNPTG):c.19C>T (p.Arg7Trp)

Genes: GNPTG (N-acetylglucosamine-1-phosphate transferase subunit gamma; plus strand), LOC130058158 (ATAC-STARR-seq lymphoblastoid silent region 6972; plus strand). Cytogenetic location: 16p13.3.
Variant type: single nucleotide variant.
Coding change: c.19C>T on transcript NM_032520.5 (MANE Select); coding-DNA position 19, C replaced by T.
Protein change: p.Arg7Trp; replaces arginine 7 with tryptophan.
Molecular consequence: missense variant.
Genome position (GRCh38, 1-based): chr16:1,351,984, C>T. VCF-style: chr16-1351984-C-T. GRCh37 (hg19) VCF-style: chr16-1401985-C-T.
Other names: short protein forms R7W.
Identifiers: ClinVar variation 1036156 (VCV001036156.5), dbSNP rs532236241, ClinGen allele CA7807439.